The following is an entry in ClinVar:

NM_030665.4(RAI1):c.4282G>A (p.Ala1428Thr)

Gene: RAI1 (retinoic acid induced 1; plus strand). Cytogenetic location: 17p11.2.
Variant type: single nucleotide variant.
Coding change: c.4282G>A on transcript NM_030665.4 (MANE Select); coding-DNA position 4282, G replaced by A.
Protein change: p.Ala1428Thr; replaces alanine 1428 with threonine.
Molecular consequence: missense variant.
Genome position (GRCh38, 1-based): chr17:17,797,230, G>A. VCF-style: chr17-17797230-G-A. GRCh37 (hg19) VCF-style: chr17-17700544-G-A.
Other names: short protein forms A1428T.
Identifiers: ClinVar variation 2957014 (VCV002957014.3), dbSNP rs754807280, ClinGen allele CA8418924.

ClinVar aggregate classification (germline): Uncertain significance (1 of 4 stars; one submission).

Allele frequency attached by ClinVar (database versions not stated): ExAC 0.00001.
gnomAD v4.1: 1 of 1,613,620 alleles (0.000062%); highest among the groups gnomAD compares: Middle Eastern, 0.016%; no homozygotes.

Submission:

Labcorp Genetics (formerly Invitae), Labcorp
Classification: Uncertain significance. Last evaluated: 2023-01-13. Review status: criteria provided, single submitter. Criteria: Invitae Variant Classification Sherloc (09022015). Collection method: clinical testing. Allele origin: germline.
Comment: This variant has not been reported in the literature in individuals affected with RAI1-related conditions. This variant is present in population databases (rs754807280, gnomAD 0.0009%). This sequence change replaces alanine, which is neutral and non-polar, with threonine, which is neutral and polar, at codon 1428 of the RAI1 protein (p.Ala1428Thr). In summary, the available evidence is currently insufficient to determine the role of this variant in disease. Therefore, it has been classified as a Variant of Uncertain Significance. Advanced modeling of protein sequence and biophysical properties (such as structural, functional, and spatial information, amino acid conservation, physicochemical variation, residue mobility, and thermodynamic stability) performed at Invitae indicates that this missense variant is not expected to disrupt RAI1 protein function.